The following is an entry in ClinVar:

NM_001267550.2(TTN):c.4929C>T (p.Cys1643=)

Genes: TTN (titin; minus strand), LOC101927055 (uncharacterized LOC101927055; plus strand). Cytogenetic location: 2q31.2.
Variant type: single nucleotide variant.
Coding change: c.4929C>T on transcript NM_001267550.2 (MANE Select); coding-DNA position 4929, C replaced by T.
Protein change: p.Cys1643=; no amino-acid change (cysteine 1643 retained).
Molecular consequence: synonymous variant. On other transcripts: non-coding transcript variant (1).
Genome position (GRCh38, 1-based): chr2:178,776,935, G>A on the plus strand (C>T on the coding strand, the complement: TTN is on the minus strand). VCF-style: chr2-178776935-G-A. GRCh37 (hg19) VCF-style: chr2-179641662-G-A.
Other names: c.4929C>T, p.Cys1643= (NM_001256850.1, NM_133378.4, NM_133379.5); c.4791C>T, p.Cys1597= (NM_003319.4, NM_133432.3, NM_133437.4).
Identifiers: ClinVar variation 1743109 (VCV001743109.3), dbSNP rs760448167, ClinGen allele CA60978085.

ClinVar aggregate classification (germline): Likely benign. Review status: criteria provided, multiple submitters, no conflicts (2 of 4 stars). 2 submissions from 2 submitters: Likely benign (2). Last evaluated 2025-05-14.

Conditions:
TTN-related disorder. Also called: TTN-related disorders; TTN-related condition; TTN-related disease.
Cardiovascular phenotype. Identifiers: MedGen CN230736.

Allele frequency attached by ClinVar (database versions not stated): gnomAD 0.00001; gnomAD exomes 0.00002.
gnomAD v4.1: 34 of 1,613,300 alleles (0.0021%); highest among the groups gnomAD compares: Non-Finnish European, 0.0028%; no homozygotes.

Submissions (2):

PreventionGenetics, part of Exact Sciences
Classification: Likely benign for TTN-related condition. Last evaluated: 2025-05-14. Review status: criteria provided, single submitter. Criteria: ACMG Guidelines, 2015. Collection method: clinical testing. Allele origin: germline.
Comment: This variant is classified as likely benign based on ACMG/AMP sequence variant interpretation guidelines (Richards et al. 2015 PMID: 25741868, with internal and published modifications).

Ambry Genetics
Classification: Likely benign for Cardiovascular phenotype. Last evaluated: 2020-05-18. Review status: criteria provided, single submitter. Criteria: Ambry Variant Classification Scheme 2023. Collection method: clinical testing. Allele origin: germline.